The following is an entry in ClinVar:

NM_032444.4(SLX4):c.2975G>A (p.Gly992Glu)

Gene: SLX4 (SLX4 structure-specific endonuclease subunit; minus strand). Cytogenetic location: 16p13.3.
Variant type: single nucleotide variant.
Coding change: c.2975G>A on transcript NM_032444.4 (MANE Select); coding-DNA position 2975, G replaced by A.
Protein change: p.Gly992Glu; replaces glycine 992 with glutamic acid.
Molecular consequence: missense variant.
Genome position (GRCh38, 1-based): chr16:3,590,663, C>T on the plus strand (G>A on the coding strand, the complement: SLX4 is on the minus strand). VCF-style: chr16-3590663-C-T. GRCh37 (hg19) VCF-style: chr16-3640664-C-T.
Other names: p.Gly992Glu; c.2975G>A (LRG_503t1); short protein forms G992E.
Identifiers: ClinVar variation 319162 (VCV000319162.46), dbSNP rs139287784, ClinGen allele CA7866027.
Genomic context (GRCh38, chr16:3,590,663, plus strand): 5'-CTGACAGCGCCACTTTGTTCCTCGGGCTCACTTGTTATTTGGGACGGCTCTGAGATCTCT[C>T]CCTGAGTTGATGAGAAGAGCTGTTCGTAATCCCCGGCATCATCTGAGTGCGGAAGAGAGC-3'
Protein context (NP_115820.2, residues 982-1002): DYEQLFSSTQ[Gly992Glu]EISEPSQITS

ClinVar aggregate classification (germline): Conflicting classifications of pathogenicity. Review status: criteria provided, conflicting classifications (1 of 4 stars). 13 submissions from 13 submitters: Uncertain significance (7); Benign (3); Likely benign (3). Last evaluated 2026-06-08.

Conditions:
SLX4-related disorder. Also called: SLX4-related condition.
Fanconi anemia complementation group P. Also called: SLX4-Related Fanconi Anemia. Identifiers: Orphanet 84, MedGen C3469542, MONDO:0013499, OMIM 613951.
Fanconi anemia (FA). Also called: Fanconi's anemia. Identifiers: Orphanet 84, MedGen C0015625, MeSH D005199, MONDO:0019391.

Allele frequency attached by ClinVar (database versions not stated): ESP Exome Variant Server 0.00031; ExAC 0.00042; gnomAD exomes 0.00046 and 0.00053; 1000 Genomes Project 30x 0.00047; gnomAD 0.00049 and 0.00054; 1000 Genomes Project 0.00060; TOPMed 0.00061.
gnomAD v4.1: 803 of 1,614,196 alleles (0.05%); highest among the groups gnomAD compares: Middle Eastern, 1.7%; 1 homozygote.

Submissions (13):

PreventionGenetics, part of Exact Sciences
Classification: Uncertain significance for SLX4-related condition. Last evaluated: 2026-06-08. Review status: criteria provided, single submitter. Criteria: ACMG Guidelines, 2015. Collection method: clinical testing. Allele origin: germline.
Comment: The SLX4 c.2975G>A variant is predicted to result in the amino acid substitution p.Gly992Glu. This variant has been reported in several large cohorts of patients with hereditary breast and ovarian cancer (Catucci et al. 2012. PubMed ID: 22383991; De Garibay et al. 2013. PubMed ID: 23211700; Shah et al. 2013. PubMed ID: 23840564; Song et al. 2021. PubMed ID: 32546565) but has also been detected in control populations of ostensibly healthy individuals (Song et al. 2021. PubMed ID: 32546565). Additionally, this variant is reported in 0.14% of alleles in individuals of Ashkenazi Jewish descent in gnomAD and has conflicting interpretations in ClinVar ranging from Uncertain to Benign (Variation ID: 319162). Although we suspect that this variant may be benign, at this time, the clinical significance of this variant is uncertain due to the absence of conclusive functional and genetic evidence.

CeGaT Center for Human Genetics Tuebingen
Classification: Likely benign. Last evaluated: 2026-06-01. Review status: criteria provided, single submitter. Criteria: CeGaT Center For Human Genetics Tuebingen Variant Classification Criteria Version 2. Collection method: clinical testing. Allele origin: germline. Affected: yes. Observed: 2 variant alleles.
Comment: SLX4: BP4

Labcorp Genetics (formerly Invitae), Labcorp
Classification: Benign for Fanconi anemia. Last evaluated: 2026-01-27. Review status: criteria provided, single submitter. Criteria: Invitae Variant Classification Sherloc (09022015). Collection method: clinical testing. Allele origin: germline.

Dasa
Classification: Benign. Last evaluated: 2025-11-25. Review status: criteria provided, single submitter. Criteria: DASA Assertion Criteria. Collection method: clinical testing. Allele origin: germline.
Comment: NM_032444.4(SLX4):c.2975G>A (p.Gly992Glu) is a missense variant that results in the substitution of glycine with glutamic acid. Population frequency is inconsistent with a disease-causing role for this variant, observations in unaffected individuals support a benign interpretation, and the variant context is inconsistent with a known disease-causing mechanism. Computational prediction algorithms are consistent with a benign effect. Therefore, based on the currently available evidence, this variant is classified as benign.

Mayo Clinic Laboratories, Mayo Clinic
Classification: Likely benign. Last evaluated: 2025-09-05. Review status: criteria provided, single submitter. Criteria: ACMG Guidelines, 2015. Collection method: clinical testing. Allele origin: germline. Observed: 1 variant allele.
Comment: BS1, BP4_moderate

Blueprint Genetics
Classification: Benign. Last evaluated: 2024-11-20. Review status: criteria provided, single submitter. Criteria: ACMG Guidelines, 2015. Collection method: clinical testing. Allele origin: germline.

AiLife Diagnostics
Classification: Uncertain significance. Last evaluated: 2022-03-17. Review status: criteria provided, single submitter. Criteria: ACMG Guidelines, 2015. Collection method: clinical testing. Allele origin: germline. Affected: yes. Observed: 1 variant allele.

Genetic Services Laboratory, University of Chicago
Classification: Uncertain significance. Last evaluated: 2022-01-19. Review status: criteria provided, single submitter. Criteria: ACMG Guidelines, 2015. Collection method: clinical testing. Allele origin: germline. Affected: no.
Comment: DNA sequence analysis of the SLX4 gene demonstrated a sequence change, c.2975G>A, in exon 12 which results in an amino acid change, p.Gly992Glu. This sequence change does not appear to have been previously described in patients with SLX4-related disorders and has been described in the gnomAD database with a frequency of 0.14% in the Ashkenazi Jewish sub-population (dbSNP rs139287784). The p.Gly992Glu change affects a moderately conserved amino acid residue located in a domain of the SLX4 protein that is not known to be functional. The p.Gly992Glu substitution appears to be benign using several in-silico pathogenicity prediction tools (SIFT, PolyPhen2, Align GVGD, REVEL). Due to contrasting evidences and the lack of functional studies, the clinical significance of this sequence changes remains unknown at this time.

Sema4
Classification: Uncertain significance for Fanconi anemia. Last evaluated: 2021-11-29. Review status: criteria provided, single submitter. Criteria: Sema4 Curation Guidelines. Collection method: curation. Allele origin: germline.
Comment: The SLX4 c.2975G>A (p.G992E) variant has been reported in heterozygosity in several individuals with leukemia, osteosarcoma, breast, ovarian, and/or lung cancer (PMID: 29891941, 22383991, 23211700, 32546565, 30268473, 23840564). It was observed in 142/282556 chromosomes across all populations, with no homozygotes, in the large and broad cohorts of the Genome Aggregation Database (PMID: 32461654). The variant has been reported in ClinVar (Variation ID 319162). In silico tools suggest the impact of the variant on protein function is benign, though these predictions have not been confirmed by functional studies. The evidence is insufficient to meet ACMG/AMP criteria for classifying the variant as benign or pathogenic. Thus, the clinical significance of this variant is currently uncertain.

Institute for Clinical Genetics, University Hospital TU Dresden, University Hospital TU Dresden
Classification: Uncertain significance. Last evaluated: 2021-11-03. Review status: criteria provided, single submitter. Criteria: ACMG Guidelines, 2015. Collection method: clinical testing. Allele origin: germline.

Dubai Health Genomic Medicine Center, Dubai Health
Classification: Likely benign for Fanconi anemia complementation group P. Last evaluated: 2020-08-18. Review status: criteria provided, single submitter. Criteria: ACMG Guidelines, 2015. Collection method: clinical testing. Allele origin: germline. Affected: yes.

Illumina Laboratory Services, Illumina
Classification: Uncertain significance for Fanconi anemia complementation group P. Last evaluated: 2018-01-13. Review status: criteria provided, single submitter. Criteria: ICSL Variant Classification Criteria 13 December 2019. Collection method: clinical testing. Allele origin: germline.

Baylor Genetics
Classification: Uncertain significance for Fanconi anemia complementation group P. Last evaluated: 2017-09-01. Review status: criteria provided, single submitter. Criteria: ACMG Guidelines, 2015. Collection method: clinical testing. Allele origin: germline. Inheritance: Autosomal recessive inheritance.

Literature cited by the submitters: PubMed 29891941 (cited by Sema4); PubMed 22383991 (cited by Sema4); PubMed 23211700 (cited by Sema4); PubMed 32546565 (cited by Sema4); PubMed 30268473 (cited by Sema4); PubMed 23840564 (cited by Sema4); PubMed 25326635 (cited by Baylor Genetics).